The following is an entry in ClinVar:

ClinVar aggregate classification (germline): Likely benign. Review status: criteria provided, single submitter (1 of 4 stars). 2 submissions from 2 submitters: Likely benign (1). 1 of the submissions does not count toward it. Last evaluated 2024-06-11.

Conditions:
Autosomal dominant nocturnal frontal lobe epilepsy 5. Also called: Epilepsy, nocturnal frontal lobe, 5; KCNT1-Related Epilepsy; CILIARY DYSKINESIA, PRIMARY, 28, WITHOUT SITUS INVERSUS; CILIARY DYSKINESIA, PRIMARY, 28, WITH SITUS INVERSUS. Identifiers: Orphanet 98784, MedGen C3554306, MONDO:0014002, OMIM 615005.
Developmental and epileptic encephalopathy, 14 (DEE14). Also called: Early infantile epileptic encephalopathy 14. Identifiers: Orphanet 293181, MedGen C3554195, MONDO:0013989, OMIM 614959.
KCNT1-related disorder. Also called: KCNT1-related condition.

Allele frequency attached by ClinVar (database versions not stated): gnomAD 0.00001; gnomAD exomes 0.00001; TOPMed 0.00001; 1000 Genomes Project 30x 0.00016; 1000 Genomes Project 0.00020.
gnomAD v4.1: 10 of 1,550,426 alleles (0.00064%); highest among the groups gnomAD compares: African/African-American, 0.0055%; no homozygotes.

Submissions (2):

Labcorp Genetics (formerly Invitae), Labcorp
Classification: Likely benign for Autosomal dominant nocturnal frontal lobe epilepsy 5; Developmental and epileptic encephalopathy, 14. Last evaluated: 2024-06-11. Review status: criteria provided, single submitter. Criteria: Invitae Variant Classification Sherloc (09022015). Collection method: clinical testing. Allele origin: germline.

PreventionGenetics, part of Exact Sciences
Classification: Likely benign for KCNT1-related condition. Last evaluated: 2019-07-31. Review status: no assertion criteria provided. Collection method: clinical testing. Allele origin: germline. Not counted in ClinVar's aggregate classification.
Comment: This variant is classified as likely benign based on ACMG/AMP sequence variant interpretation guidelines (Richards et al. 2015 PMID: 25741868, with internal and published modifications).

NM_020822.3(KCNT1):c.1380C>T (p.Asn460=)

Gene: KCNT1 (potassium sodium-activated channel subfamily T member 1; plus strand). Cytogenetic location: 9q34.3.
Variant type: single nucleotide variant.
Coding change: c.1380C>T on transcript NM_020822.3 (MANE Select); coding-DNA position 1380, C replaced by T.
Protein change: p.Asn460=; no amino-acid change (asparagine 460 retained).
Molecular consequence: synonymous variant.
Genome position (GRCh38, 1-based): chr9:135,768,652, C>T. VCF-style: chr9-135768652-C-T. GRCh37 (hg19) VCF-style: chr9-138660498-C-T.
Other names: c.1245C>T, p.Asn415= (NM_001272003.2).
Identifiers: ClinVar variation 540586 (VCV000540586.11), dbSNP rs566700584, ClinGen allele CA201471887.
Genomic context (GRCh38, chr9:135,768,652, plus strand): 5'-GGCCCTGGTGCATTGCAGGATGGACAATGGGGAGGCCTGCTTCATCCTCAGCAGCAGGAA[C>T]GAGGTGGACCGCACGGCTGCAGTGAGTGAGGCTGAGGCCCTGCCCAGGCGGGAGGGGCAC-3'
Protein context (NP_065873.2, residues 450-470): GEACFILSSR[Asn460=]EVDRTAADHQ